The following is an entry in ClinVar:

ClinVar aggregate classification (germline): Benign/Likely benign. Review status: criteria provided, multiple submitters, no conflicts (2 of 4 stars). 5 submissions from 5 submitters: Benign (1); Likely benign (2). 2 of the submissions do not count toward it. Last evaluated 2026-02-03.

Conditions:
Long QT syndrome 1 (LQT1). Identifiers: Orphanet 101016, Orphanet 768, MedGen C4551647, MONDO:0100316, OMIM 192500, MONDO:0008646.

Submissions (5):

Labcorp Genetics (formerly Invitae), Labcorp
Classification: Benign for Long QT syndrome 1. Last evaluated: 2026-02-03. Review status: criteria provided, single submitter. Criteria: Invitae Variant Classification Sherloc (09022015). Collection method: clinical testing. Allele origin: germline.

Blueprint Genetics
Classification: Likely benign. Last evaluated: 2024-11-13. Review status: criteria provided, single submitter. Criteria: ACMG Guidelines, 2015. Collection method: clinical testing. Allele origin: germline.

GeneDx
Classification: Likely benign. Last evaluated: 2017-05-22. Review status: criteria provided, single submitter. Criteria: GeneDx Variant Classification (06012015). Collection method: clinical testing. Allele origin: germline. Affected: yes.
Comment: This variant is considered likely benign or benign based on one or more of the following criteria: it is a conservative change, it occurs at a poorly conserved position in the protein, it is predicted to be benign by multiple in silico algorithms, and/or has population frequency not consistent with disease.

Clinical Genetics, Academic Medical Center
Classification: Benign. Review status: no assertion criteria provided. Collection method: clinical testing. Allele origin: germline. Affected: yes. Study: VKGL Data-share Consensus. Not counted in ClinVar's aggregate classification.

Joint Genome Diagnostic Labs from Nijmegen and Maastricht, Radboudumc and MUMC+
Classification: Benign. Review status: no assertion criteria provided. Collection method: clinical testing. Allele origin: germline. Affected: yes. Study: VKGL Data-share Consensus. Not counted in ClinVar's aggregate classification.

NM_005184.4(CALM3):c.179-14del

Gene: CALM3 (calmodulin 3; plus strand). Cytogenetic location: 19q13.32.
Variant type: Deletion.
Coding change: c.179-14del on transcript NM_005184.4 (MANE Select); 14 bases into the intron before coding-DNA position 179, one base deleted (T; older notation c.179-14delT).
Molecular consequence: intron variant.
Genome position (GRCh38, 1-based): chr19:46,608,468, T deleted; the last of 3 consecutive T bases (chr19:46,608,466-46,608,468); deleting any one gives the same sequence. VCF-style (leftmost placement, unchanged base first): chr19-46608465-CT-C. GRCh37 (hg19) VCF-style: chr19-47111722-CT-C.
Other names: c.71-14del (NM_001329921.1, NM_001329924.2, NM_001329926.2 and 2 more transcripts); c.179-14del (NM_001329922.1); c.179-14delT (NM_005184.2).
Identifiers: ClinVar variation 422313 (VCV000422313.13), dbSNP rs577585466, ClinGen allele CA9529778.